The following is an entry in ClinVar:

NM_000138.5(FBN1):c.8612A>G (p.His2871Arg)

Gene: FBN1 (fibrillin 1; minus strand). Cytogenetic location: 15q21.1.
Variant type: single nucleotide variant.
Coding change: c.8612A>G on transcript NM_000138.5 (MANE Select); coding-DNA position 8612, A replaced by G.
Protein change: p.His2871Arg; replaces histidine 2871 with arginine.
Molecular consequence: missense variant.
Genome position (GRCh38, 1-based): chr15:48,410,994, T>C on the plus strand (A>G on the coding strand, the complement: FBN1 is on the minus strand). VCF-style: chr15-48410994-T-C. GRCh37 (hg19) VCF-style: chr15-48703191-T-C.
Other names: c.8612A>G, p.His2871Arg (NM_001406716.1); short protein forms H2871R.
Identifiers: ClinVar variation 4759103 (VCV004759103.1).

ClinVar aggregate classification (germline): Uncertain significance (1 of 4 stars; one submission).

Conditions:
Familial thoracic aortic aneurysm and aortic dissection (TAAD). Also called: Thoracic aortic aneurysms and dissections. Identifiers: Orphanet 91387, MedGen C4707243, MONDO:0019625.

gnomAD v4.1: 2 of 1,613,252 alleles (0.00012%); highest among the groups gnomAD compares: South Asian, 0.0022%; no homozygotes.

Submission:

Color Diagnostics, LLC DBA Color Health
Classification: Uncertain significance for Familial thoracic aortic aneurysm and aortic dissection. Last evaluated: 2025-07-25. Review status: criteria provided, single submitter. Criteria: ACMG Guidelines, 2015. Collection method: clinical testing. Allele origin: germline.
Comment: This missense variant replaces histidine with arginine at codon 2871 of the FBN1 protein. Computational prediction suggests that this variant may have deleterious impact on protein structure and function. To our knowledge, functional studies have not been reported for this variant. This variant has not been reported in individuals affected with FBN1-related disorders in the literature. This variant has been identified in 2/250872 chromosomes in the general population by the Genome Aggregation Database (gnomAD). The available evidence is insufficient to determine the role of this variant in disease conclusively. Therefore, this variant is classified as a Variant of Uncertain Significance.